The following is an entry in ClinVar:

NM_000264.5(PTCH1):c.1987C>T (p.Gln663Ter)

Genes: PTCH1 (patched 1; minus strand), LOC100507346 (uncharacterized LOC100507346; plus strand). Cytogenetic location: 9q22.32.
Variant type: single nucleotide variant.
Coding change: c.1987C>T on transcript NM_000264.5 (MANE Select); coding-DNA position 1987, C replaced by T.
Protein change: p.Gln663Ter; replaces glutamine 663 with a stop codon.
Molecular consequence: nonsense. On other transcripts: non-coding transcript variant (2).
Genome position (GRCh38, 1-based): chr9:95,469,014, G>A on the plus strand (C>T on the coding strand, the complement: PTCH1 is on the minus strand). VCF-style: chr9-95469014-G-A. GRCh37 (hg19) VCF-style: chr9-98231296-G-A.
Other names: c.1789C>T, p.Gln597Ter (NM_001083602.3); c.1984C>T, p.Gln662Ter (NM_001083603.3); c.1534C>T, p.Gln512Ter (NM_001083604.3, NM_001083605.3, NM_001083606.3 and 1 more transcripts); c.1831C>T, p.Gln611Ter (NM_001354918.2); short protein forms Q662*, Q512*, Q611*, Q597*, Q663*.
Identifiers: ClinVar variation 2735291 (VCV002735291.3), dbSNP rs2538148144, ClinGen allele CA374115894.

ClinVar aggregate classification (germline): Pathogenic (1 of 4 stars; one submission).

Conditions:
Gorlin syndrome. Also called: Basal cell nevus syndrome; Nevoid Basal Cell Carcinoma Syndrome. Identifiers: Orphanet 377, MedGen C0004779, MONDO:0007187.

Submission:

Labcorp Genetics (formerly Invitae), Labcorp
Classification: Pathogenic for Gorlin syndrome. Last evaluated: 2023-08-22. Review status: criteria provided, single submitter. Criteria: Invitae Variant Classification Sherloc (09022015). Collection method: clinical testing. Allele origin: germline.
Comment: This sequence change creates a premature translational stop signal (p.Gln663*) in the PTCH1 gene. It is expected to result in an absent or disrupted protein product. Loss-of-function variants in PTCH1 are known to be pathogenic (PMID: 16301862, 16419085). This variant is not present in population databases (gnomAD no frequency). For these reasons, this variant has been classified as Pathogenic. This variant is also known as C1975T. This premature translational stop signal has been observed in individual(s) with PTCH1-related conditions (PMID: 10200051).

Literature cited by the submitters: PubMed 16301862; PubMed 16419085; PubMed 10200051.